The following is an entry in ClinVar:

NM_000152.5(GAA):c.-312C>T

Genes: GAA (alpha glucosidase; plus strand), LOC130061897 (ATAC-STARR-seq lymphoblastoid silent region 9099; plus strand). Cytogenetic location: 17q25.3.
Variant type: single nucleotide variant.
Coding change: c.-312C>T on transcript NM_000152.5 (MANE Select); 312 bases upstream of the start codon, C replaced by T.
Molecular consequence: 5 prime UTR variant. On other transcripts: non-coding transcript variant (1).
Genome position (GRCh38, 1-based): chr17:80,101,611, C>T. VCF-style: chr17-80101611-C-T. GRCh37 (hg19) VCF-style: chr17-78075410-C-T.
Other names: c.-127C>T (NM_001079803.3); c.-47C>T (NM_001079804.3); c.-312C>T (LRG_673t1, NM_000152.4).
Identifiers: ClinVar variation 325768 (VCV000325768.10), dbSNP rs574326920, ClinGen allele CA10647035.

ClinVar aggregate classification (germline): Conflicting classifications of pathogenicity. Review status: criteria provided, conflicting classifications (1 of 4 stars). 4 submissions from 4 submitters: Uncertain significance (1); Likely benign (2). 1 of the submissions does not count toward it. Last evaluated 2020-01-22.

Conditions:
Glycogen storage disease, type II (IOPD). Also called: CARDIOMEGALIA GLYCOGENICA DIFFUSA; GLYCOGENOSIS, GENERALIZED, CARDIAC FORM; GSD II; Glycogen storage disease type 2; Acid maltase deficiency disease; Aglucosidase alfa. Identifiers: Orphanet 365, MedGen C0017921, MONDO:0009290, OMIM 232300.
GAA-related disorder. Also called: GAA-related condition.

Allele frequency attached by ClinVar (database versions not stated): 1000 Genomes Project below 0.00001; 1000 Genomes Project 30x 0.00016; TOPMed 0.00156; gnomAD 0.00158 and 0.00161.

Submissions (4):

Broad Center for Mendelian Genomics, Broad Institute of MIT and Harvard
Classification: Likely benign for Glycogen storage disease, type II. Last evaluated: 2020-01-22. Review status: criteria provided, single submitter. Criteria: ACMG Guidelines, 2015. Collection method: curation. Allele origin: germline. Inheritance: Autosomal recessive inheritance.
Comment: The c.-312C>T variant in GAA has not been previously reported in individuals with Glycogen Storage Disease II but has been reported as a VUS by Illumina and as a likely benign variant by GeneDx in ClinVar (Variation ID: 325768). This variant has been identified in 0.209% (31/14830) of European (non-Finnish) chromosomes and other populations at lesser frequencies by the Genome Aggregation Database (gnomAD; dbSNP rs574326920). Although this variant has been seen in the general population, its frequency is not high enough to rule out a pathogenic role. Computational prediction tools and conservation analyses suggest that this 5' UTR variant may not impact the protein, though this information is not predictive enough to rule out pathogenicity. In summary, although additional studies are required to fully establish its clinical significance, this variant is likely benign. ACMG/AMP Criteria applied: BP4, BP7 (Richards 2015).

Illumina Laboratory Services, Illumina
Classification: Uncertain significance for Glycogen storage disease, type II. Last evaluated: 2018-01-13. Review status: criteria provided, single submitter. Criteria: ICSL Variant Classification Criteria 13 December 2019. Collection method: clinical testing. Allele origin: germline.

GeneDx
Classification: Likely benign. Last evaluated: 2017-12-22. Review status: criteria provided, single submitter. Criteria: GeneDx Variant Classification (06012015). Collection method: clinical testing. Allele origin: germline. Affected: yes.
Comment: This variant is considered likely benign or benign based on one or more of the following criteria: it is a conservative change, it occurs at a poorly conserved position in the protein, it is predicted to be benign by multiple in silico algorithms, and/or has population frequency not consistent with disease.

PreventionGenetics, part of Exact Sciences
Classification: Likely benign for GAA-related condition. Last evaluated: 2022-02-23. Review status: no assertion criteria provided. Collection method: clinical testing. Allele origin: germline. Not counted in ClinVar's aggregate classification.
Comment: This variant is classified as likely benign based on ACMG/AMP sequence variant interpretation guidelines (Richards et al. 2015 PMID: 25741868, with internal and published modifications).